The following is an entry in ClinVar:

NM_201384.3(PLEC):c.7591C>T (p.Arg2531Cys)

Gene: PLEC (plectin; minus strand). Cytogenetic location: 8q24.3.
Variant type: single nucleotide variant.
Coding change: c.7591C>T on transcript NM_201384.3 (MANE Select); coding-DNA position 7591, C replaced by T.
Protein change: p.Arg2531Cys; replaces arginine 2531 with cysteine.
Molecular consequence: missense variant.
Genome position (GRCh38, 1-based): chr8:143,922,230, G>A on the plus strand (C>T on the coding strand, the complement: PLEC is on the minus strand). VCF-style: chr8-143922230-G-A. GRCh37 (hg19) VCF-style: chr8-144996398-G-A.
Other names: c.7672C>T, p.Arg2558Cys (NM_000445.5); c.7549C>T, p.Arg2517Cys (NM_201378.4); c.7525C>T, p.Arg2509Cys (NM_201379.3); c.8002C>T, p.Arg2668Cys (NM_201380.4); c.7495C>T, p.Arg2499Cys (NM_201381.3); c.7591C>T, p.Arg2531Cys (NM_201382.4); c.7603C>T, p.Arg2535Cys (NM_201383.3); short protein forms R2499C, R2509C, R2517C, R2531C, R2535C, R2558C, R2668C.
Identifiers: ClinVar variation 521024 (VCV000521024.12), dbSNP rs781838363, ClinGen allele CA4925573.
Genomic context (GRCh38, chr8:143,922,230, plus strand): 5'-TGGCCACCAGCCGCTGCCGTTCCTGCTCCATCTGCTGCTGCTGCCGCTGCTGCTCCTCAC[G>A]CAGCTGCTGTGCCTTGGCCACCTCGTCCTGGAAGAGCTGCTCCAGCTTGGCCTTCTCCTG-3'
Protein context (NP_958786.1, residues 2521-2541): QDEVAKAQQL[Arg2531Cys]EEQQRQQQQM

ClinVar aggregate classification (germline): Uncertain significance. Review status: criteria provided, multiple submitters, no conflicts (2 of 4 stars). 2 submissions from 2 submitters: Uncertain significance (2). Last evaluated 2025-01-13.

Conditions:
Epidermolysis bullosa simplex 5C, with pyloric atresia (EBS5C). Also called: PLEC-Related Epidermolysis Bullosa with Pyloric Atresia; Epidermolysis bullosa simplex with pyloric atresia; PLEC1-Related Epidermolysis Bullosa with Pyloric Atresia. Identifiers: Orphanet 158684, MedGen C2677349, MONDO:0012807, OMIM 612138.
Autosomal recessive limb-girdle muscular dystrophy type 2Q (LGMDR17). Also called: MUSCULAR DYSTROPHY, LIMB-GIRDLE, AUTOSOMAL RECESSIVE 17. Identifiers: Orphanet 254361, MedGen C3150989, MONDO:0013390, OMIM 613723.
Epidermolysis bullosa simplex 5B, with muscular dystrophy (EBS5B). Also called: Epidermolysis bullosa simplex with muscular dystrophy; EPIDERMOLYSIS BULLOSA SIMPLEX AND LIMB-GIRDLE MUSCULAR DYSTROPHY. Identifiers: Orphanet 257, MedGen C2931072, MONDO:0009181, OMIM 226670.
Epidermolysis bullosa simplex, Ogna type (EBS5A). Also called: Pidermolysis bullosa simplex 5A, Ogna type; EPIDERMOLYSIS BULLOSA SIMPLEX 5A, OGNA TYPE. Identifiers: Orphanet 79401, MedGen C0432317, MONDO:0007555, OMIM 131950.
Epidermolysis bullosa simplex with nail dystrophy (EBS5D). Identifiers: MedGen C4225309, MONDO:0014661, OMIM 616487.
Inborn genetic diseases. Identifiers: MedGen C0950123, MeSH D030342.

Allele frequency attached by ClinVar (database versions not stated): ExAC below 0.00001; gnomAD exomes 0.00001 and 0.00002; TOPMed 0.00001; gnomAD 0.00002.
gnomAD v4.1: 24 of 1,577,462 alleles (0.0015%); highest among the groups gnomAD compares: East Asian, 0.0068%; no homozygotes.

Submissions (2):

Labcorp Genetics (formerly Invitae), Labcorp
Classification: Uncertain significance for Autosomal recessive limb-girdle muscular dystrophy type 2Q; Epidermolysis bullosa simplex, Ogna type; Epidermolysis bullosa simplex with nail dystrophy; Epidermolysis bullosa simplex 5C, with pyloric atresia; Epidermolysis bullosa simplex 5B, with muscular dystrophy. Last evaluated: 2025-01-13. Review status: criteria provided, single submitter. Criteria: Invitae Variant Classification Sherloc (09022015). Collection method: clinical testing. Allele origin: germline.
Comment: This sequence change replaces arginine, which is basic and polar, with cysteine, which is neutral and slightly polar, at codon 2558 of the PLEC protein (p.Arg2558Cys). The frequency data for this variant in the population databases is considered unreliable, as metrics indicate poor data quality at this position in the gnomAD database. This variant has not been reported in the literature in individuals affected with PLEC-related conditions. ClinVar contains an entry for this variant (Variation ID: 521024). Invitae Evidence Modeling of protein sequence and biophysical properties (such as structural, functional, and spatial information, amino acid conservation, physicochemical variation, residue mobility, and thermodynamic stability) has been performed for this missense variant. However, the output from this modeling did not meet the statistical confidence thresholds required to predict the impact of this variant on PLEC protein function. In summary, the available evidence is currently insufficient to determine the role of this variant in disease. Therefore, it has been classified as a Variant of Uncertain Significance.

Ambry Genetics
Classification: Uncertain significance for Inborn genetic diseases. Last evaluated: 2016-03-30. Review status: criteria provided, single submitter. Criteria: Ambry exome assertion method (8-5-2015). Collection method: clinical testing. Allele origin: germline. Affected: yes. Observed: 1 variant allele.